The following continues an entry in ClinVar:

NM_000552.5(VWF):c.3835G>A (p.Val1279Ile)

Gene: VWF. ClinVar aggregate classification (germline): Uncertain significance. Uncertain significance (13).

Submissions 8 to 15 of 15:

Pittsburgh Clinical Genomics Laboratory, University of Pittsburgh Medical Center
Classification: Uncertain significance for von Willebrand disease type 1. Last evaluated: 2023-05-19. Review status: criteria provided, single submitter. Criteria: ACMG Guidelines, 2015. Collection method: clinical testing. Allele origin: germline. Inheritance: Autosomal dominant inheritance. Affected: yes.
Comment: This sequence variant is a single nucleotide substitution (G>A) at coding nucleotide 3835 of the VWF gene that results in a valine to phenylalanine amino acid change at residue 1279 of the VWF protein. The Val1279 residue falls in the A1 domain which plays a critical role in the formation of clots (PMID: 26213126). This is a previously reported variant (ClinVar) that has been observed in both the homozygous and compound heterozygous state in individuals with von Willebrand disease (PMID: 31532876, 35505650, 29984440, 25689060, 34828413, 27353798, 35307943, 16115133). This variant is believed to be the product of a gene conversion event involving a pseudogene in several affected individuals (PMID: 16115133, 17846636). This variant is present in 83 of 282,236 alleles (0.03%) in the gnomAD control population dataset. Multiple bioinformatic tools predict that this valine to phenylalanine amino acid change would be damaging, and the valine residue at this position is strongly conserved across the vertebrate species examined. Studies examining the functiol consequence of this variant have not been published, to our knowledge. At this time, there is insufficient evidence to determine if this variant is pathogenic or benign. Therefore, we consider this a variant of uncertain significance. ACMG Criteria: PM1, PP2, PP3

GeneDx
Classification: Uncertain significance. Last evaluated: 2022-11-16. Review status: criteria provided, single submitter. Criteria: GeneDx Variant Classification Process June 2021. Collection method: clinical testing. Allele origin: germline. Affected: yes.
Comment: In silico analysis supports that this missense variant does not alter protein structure/function; This variant is associated with the following publications: (PMID: 22995991, 18094571, 33550700, 26986123, 31064749, 27148841, 33556167, 34828413, 19404524, 35505650, 27353798, 16115133, 29984440, 27785872, 28971901, 8096943)

NIHR Bioresource Rare Diseases, University of Cambridge
Classification: Uncertain significance for von Willebrand disorder. Last evaluated: 2019-02-01. Review status: criteria provided, single submitter. Criteria: ACMG Guidelines, 2015. Collection method: research. Allele origin: unknown. Affected: yes. Observed: 1 compound heterozygote. Study: ThromboGenomics.

ISTH-SSC Genomics in Thrombosis and Hemostasis, KU Leuven, Center for Molecular and Vascular Biology
Classification: Uncertain significance for von Willebrand disease type 1. Review status: criteria provided, single submitter. Criteria: ACMG Guidelines, 2015. Collection method: clinical testing. Allele origin: unknown, germline. Affected: yes. Observed: 2 heterozygotes.
Comment: GoldVariant submitters: Dr Karyn Mégy, NIHR Bioresource - Cambridge University, UK and Bilal Jradeh, Katharine Dormandy Haemophilia and Thrombosis Centre, Royal Free Hospital, London, UK

ISTH-SSC Genomics in Thrombosis and Hemostasis, KU Leuven, Center for Molecular and Vascular Biology
Classification: Uncertain significance for von Willebrand disease type 2. Review status: criteria provided, single submitter. Criteria: ACMG Guidelines, 2015. Collection method: clinical testing. Allele origin: germline. Affected: yes. Observed: 1 compound heterozygote.
Comment: Submitted to GoldVariant by Kathleen Freson, Center for Molecular and Vascular Biology, Leuven, Belgium

ISTH-SSC Genomics in Thrombosis and Hemostasis, KU Leuven, Center for Molecular and Vascular Biology
Classification: Uncertain significance for Thrombocytopenia. Review status: criteria provided, single submitter. Criteria: ACMG Guidelines, 2015. Collection method: clinical testing. Allele origin: germline. Affected: yes. Observed: 1 compound heterozygote.
Comment: Submitted to the GoldVariant database by Kathleen Freson, Center for Molecular and Vascular Biology

Academic Unit of Haematology, University of Sheffield
No classification provided. Review status: no classification provided. Collection method: not provided. Allele origin: not provided. Not counted in ClinVar's aggregate classification.

GeneReviews
No classification provided. Condition: von Willebrand disorder. Review status: no classification provided. Collection method: literature only. Allele origin: germline. Not counted in ClinVar's aggregate classification.

Literature cited by the submitters: PubMed 24675615 (cited by Women's Health and Genetics/Laboratory Corporation of America, LabCorp and Quest Diagnostics Nichols Institute San Juan Capistrano); PubMed 33556167 (cited by Women's Health and Genetics/Laboratory Corporation of America, LabCorp and Quest Diagnostics Nichols Institute San Juan Capistrano); PubMed 16321553 (cited by Women's Health and Genetics/Laboratory Corporation of America, LabCorp); PubMed 17190853 (cited by 3 submitters); PubMed 8096943 (cited by 3 submitters); PubMed 18485763 (cited by Mayo Clinic Laboratories, Mayo Clinic and Quest Diagnostics Nichols Institute San Juan Capistrano); PubMed 25689060 (cited by Mayo Clinic Laboratories, Mayo Clinic and Pittsburgh Clinical Genomics Laboratory, University of Pittsburgh Medical Center); PubMed 26986123 (cited by Mayo Clinic Laboratories, Mayo Clinic and Quest Diagnostics Nichols Institute San Juan Capistrano); PubMed 28971901 (cited by Mayo Clinic Laboratories, Mayo Clinic); PubMed 29984440 (cited by 3 submitters); PubMed 31532876 (cited by Mayo Clinic Laboratories, Mayo Clinic and Pittsburgh Clinical Genomics Laboratory, University of Pittsburgh Medical Center); PubMed 31064749 (cited by Quest Diagnostics Nichols Institute San Juan Capistrano and NIHR Bioresource Rare Diseases, University of Cambridge); PubMed 18094571 (cited by Quest Diagnostics Nichols Institute San Juan Capistrano); PubMed 37168293 (cited by Quest Diagnostics Nichols Institute San Juan Capistrano); PubMed 34828413 (cited by Quest Diagnostics Nichols Institute San Juan Capistrano and Pittsburgh Clinical Genomics Laboratory, University of Pittsburgh Medical Center); PubMed 33550700 (cited by Quest Diagnostics Nichols Institute San Juan Capistrano); PubMed 8134377 (cited by Quest Diagnostics Nichols Institute San Juan Capistrano); PubMed 27353798 (cited by Quest Diagnostics Nichols Institute San Juan Capistrano and Pittsburgh Clinical Genomics Laboratory, University of Pittsburgh Medical Center); PubMed 11325649 (cited by Quest Diagnostics Nichols Institute San Juan Capistrano); PubMed 16115133 (cited by Quest Diagnostics Nichols Institute San Juan Capistrano and Pittsburgh Clinical Genomics Laboratory, University of Pittsburgh Medical Center); PubMed 18315546 (cited by Quest Diagnostics Nichols Institute San Juan Capistrano); PubMed 19431182 (cited by Quest Diagnostics Nichols Institute San Juan Capistrano); PubMed 19453940 (cited by Quest Diagnostics Nichols Institute San Juan Capistrano); PubMed 24712919 (cited by Quest Diagnostics Nichols Institute San Juan Capistrano); PubMed 17846636 (cited by Pittsburgh Clinical Genomics Laboratory, University of Pittsburgh Medical Center); PubMed 26213126 (cited by Pittsburgh Clinical Genomics Laboratory, University of Pittsburgh Medical Center); PubMed 35505650 (cited by Pittsburgh Clinical Genomics Laboratory, University of Pittsburgh Medical Center); PubMed 35307943 (cited by Pittsburgh Clinical Genomics Laboratory, University of Pittsburgh Medical Center); PubMed 34355501 (cited by ISTH-SSC Genomics in Thrombosis and Hemostasis, KU Leuven, Center for Molecular and Vascular Biology); NCBI Bookshelf NBK7014 (cited by GeneReviews).